The following is an entry in ClinVar:

NM_006949.4(STXBP2):c.1129G>A (p.Ala377Thr)

Gene: STXBP2 (syntaxin binding protein 2; plus strand). Cytogenetic location: 19p13.2.
Variant type: single nucleotide variant.
Coding change: c.1129G>A on transcript NM_006949.4 (MANE Select); coding-DNA position 1129, G replaced by A.
Protein change: p.Ala377Thr; replaces alanine 377 with threonine.
Molecular consequence: missense variant. On other transcripts: non-coding transcript variant (1).
Genome position (GRCh38, 1-based): chr19:7,644,635, G>A. VCF-style: chr19-7644635-G-A. GRCh37 (hg19) VCF-style: chr19-7709521-G-A.
Other names: c.1120G>A, p.Ala374Thr (NM_001127396.3); c.1162G>A, p.Ala388Thr (NM_001272034.2); c.1033G>A, p.Ala345Thr (NM_001414484.1); short protein forms A388T, A345T, A374T, A377T.
Identifiers: ClinVar variation 1984629 (VCV001984629.1), dbSNP rs199913678, ClinGen allele CA9144003.
Genomic context (GRCh38, chr19:7,644,635, plus strand): 5'-CACATAGCGGCCGGTGGACGGCTGACCCCATGCCCGCAGGACCTGGCCATGGGCTCCGAC[G>A]CAGAGGGGGAGAAGATCAAGGACTCCATGAAGCTGATCGTTCCGGTGCTGCTGGACGCGG-3'
Protein context (NP_008880.2, residues 367-387): VEQDLAMGSD[Ala377Thr]EGEKIKDSMK

ClinVar aggregate classification (germline): Uncertain significance (1 of 4 stars; one submission).

Conditions:
Familial hemophagocytic lymphohistiocytosis 5. Also called: STXBP2-Related Familial Hemophagocytic Lymphohistiocytosis (STXBP2-fHLH). Identifiers: Orphanet 540, MedGen C2751293, MONDO:0013135, OMIM 613101.

Allele frequency attached by ClinVar (database versions not stated): TOPMed below 0.00001; ExAC 0.00001; gnomAD 0.00001; gnomAD exomes 0.00001; 1000 Genomes Project 30x 0.00016; 1000 Genomes Project 0.00020.
gnomAD v4.1: 19 of 1,613,090 alleles (0.0012%); highest among the groups gnomAD compares: South Asian, 0.0033%; no homozygotes.

Submission:

Labcorp Genetics (formerly Invitae), Labcorp
Classification: Uncertain significance for Familial hemophagocytic lymphohistiocytosis 5. Last evaluated: 2022-05-13. Review status: criteria provided, single submitter. Criteria: Invitae Variant Classification Sherloc (09022015). Collection method: clinical testing. Allele origin: germline.
Comment: This sequence change replaces alanine, which is neutral and non-polar, with threonine, which is neutral and polar, at codon 377 of the STXBP2 protein (p.Ala377Thr). This variant is present in population databases (rs199913678, gnomAD 0.003%). This variant has not been reported in the literature in individuals affected with STXBP2-related conditions. Algorithms developed to predict the effect of missense changes on protein structure and function output the following: SIFT: "Tolerated"; PolyPhen-2: "Possibly Damaging"; Align-GVGD: "Class C0". The threonine amino acid residue is found in multiple mammalian species, which suggests that this missense change does not adversely affect protein function. In summary, the available evidence is currently insufficient to determine the role of this variant in disease. Therefore, it has been classified as a Variant of Uncertain Significance.